The following is an entry in ClinVar:

ClinVar aggregate classification (germline): Likely benign (1 of 4 stars; one submission).

Allele frequency attached by ClinVar (database versions not stated): gnomAD exomes below 0.00001; TOPMed below 0.00001.
gnomAD v4.1: 2 of 1,613,106 alleles (0.00012%); highest among the groups gnomAD compares: Non-Finnish European, 0.00017%; no homozygotes.

Submission:

CeGaT Center for Human Genetics Tuebingen
Classification: Likely benign. Last evaluated: 2024-02-01. Review status: criteria provided, single submitter. Criteria: CeGaT Center For Human Genetics Tuebingen Variant Classification Criteria Version 2. Collection method: clinical testing. Allele origin: germline. Affected: yes. Observed: 1 variant allele.
Comment: PTPRD: BP4, BP7

NM_002839.4(PTPRD):c.5076T>G (p.Arg1692=)

Gene: PTPRD (protein tyrosine phosphatase receptor type D; minus strand). Cytogenetic location: 9p24.1.
Variant type: single nucleotide variant.
Coding change: c.5076T>G on transcript NM_002839.4 (MANE Select); coding-DNA position 5076, T replaced by G.
Protein change: p.Arg1692=; no amino-acid change (arginine 1692 retained).
Molecular consequence: synonymous variant.
Genome position (GRCh38, 1-based): chr9:8,341,140, A>C on the plus strand (T>G on the coding strand, the complement: PTPRD is on the minus strand). VCF-style: chr9-8341140-A-C. GRCh37 (hg19) VCF-style: chr9-8341140-A-C.
Other names: c.3846T>G, p.Arg1282= (NM_001040712.2); c.3855T>G, p.Arg1285= (NM_001171025.2, NM_130391.4); c.3867T>G, p.Arg1289= (NM_001377946.1); c.3837T>G, p.Arg1279= (NM_001377947.1); c.5136T>G, p.Arg1712= (NM_001377958.1); c.5091T>G, p.Arg1697= (NM_001378058.1); c.3858T>G, p.Arg1286= (NM_130392.3); c.3828T>G, p.Arg1276= (NM_130393.3).
Identifiers: ClinVar variation 3026296 (VCV003026296.22), dbSNP rs1302339364, ClinGen allele CA463858640.